The following is an entry in ClinVar:

ClinVar aggregate classification (germline): Uncertain significance (1 of 4 stars; one submission).

Conditions:
Inborn genetic diseases. Identifiers: MedGen C0950123, MeSH D030342.

Submission:

Ambry Genetics
Classification: Uncertain significance for Inborn genetic diseases. Last evaluated: 2022-04-04. Review status: criteria provided, single submitter. Criteria: Ambry Variant Classification Scheme 2023. Collection method: clinical testing. Allele origin: germline.
Comment: The p.T732I variant (also known as c.2195C>T), located in coding exon 14 of the EPAS1 gene, results from a C to T substitution at nucleotide position 2195. The threonine at codon 732 is replaced by isoleucine, an amino acid with similar properties. This amino acid position is conserved. In addition, this alteration is predicted to be tolerated by in silico analysis. Since supporting evidence is limited at this time, the clinical significance of this alteration remains unclear.

NM_001430.5(EPAS1):c.2195C>T (p.Thr732Ile)

Gene: EPAS1 (endothelial PAS domain protein 1; plus strand). Cytogenetic location: 2p21.
Variant type: single nucleotide variant.
Coding change: c.2195C>T on transcript NM_001430.5 (MANE Select); coding-DNA position 2195, C replaced by T.
Protein change: p.Thr732Ile; replaces threonine 732 with isoleucine.
Molecular consequence: missense variant.
Genome position (GRCh38, 1-based): chr2:46,381,997, C>T. VCF-style: chr2-46381997-C-T. GRCh37 (hg19) VCF-style: chr2-46609136-C-T.
Other names: short protein forms T732I.
Identifiers: ClinVar variation 1787475 (VCV001787475.2), dbSNP rs2546480054, ClinGen allele CA346705741.
Genomic context (GRCh38, chr2:46,381,997, plus strand): 5'-GGCCATTTCCCCTTTCCATCTGCCCTTCTTACTCCCAGGGGGACCCACCTGGTGGCAGCA[C>T]CTCACATTTGATGTGGAAACGGATGAAGAACCTCAGGGGTGGGAGCTGCCCTTTGATGCC-3'
Protein context (NP_001421.2, residues 722-742): LSGGDPPGGS[Thr732Ile]SHLMWKRMKN